The following is an entry in ClinVar:

NM_138409.4(MRAP2):c.-4G>A

Gene: MRAP2 (melanocortin 2 receptor accessory protein 2; plus strand). Cytogenetic location: 6q14.2.
Variant type: single nucleotide variant.
Coding change: c.-4G>A on transcript NM_138409.4 (MANE Select); 4 bases upstream of the start codon, G replaced by A.
Molecular consequence: 5 prime UTR variant.
Genome position (GRCh38, 1-based): chr6:84,055,315, G>A. VCF-style: chr6-84055315-G-A. GRCh37 (hg19) VCF-style: chr6-84765034-G-A.
Other names: c.-162G>A (NM_001346541.2); c.-4G>A (NM_001346542.2, NM_001346544.2); c.-263G>A (NM_001346543.2).
Identifiers: ClinVar variation 4989904 (VCV004989904.1).

ClinVar aggregate classification (germline): Likely benign (1 of 4 stars; one submission).

Conditions:
MRAP2-related disorder. Also called: MRAP2-related condition.

gnomAD v4.1: 29 of 1,611,882 alleles (0.0018%); highest among the groups gnomAD compares: Admixed American, 0.0034%; no homozygotes.

Submission:

PreventionGenetics, part of Exact Sciences
Classification: Likely benign for MRAP2-related condition. Last evaluated: 2025-06-02. Review status: criteria provided, single submitter. Criteria: ACMG Guidelines, 2015. Collection method: clinical testing. Allele origin: germline.
Comment: This variant is classified as likely benign based on ACMG/AMP sequence variant interpretation guidelines (Richards et al. 2015 PMID: 25741868, with internal and published modifications).